The following continues an entry in ClinVar:

NM_007254.4(PNKP):c.1253_1269dup (p.Thr424fs)

Gene: PNKP. ClinVar aggregate classification (germline): Pathogenic. Pathogenic (19).

Submissions 11 to 25 of 25:

GeneDx
Classification: Pathogenic. Last evaluated: 2022-04-01. Review status: criteria provided, single submitter. Criteria: GeneDx Variant Classification Process June 2021. Collection method: clinical testing. Allele origin: germline. Affected: yes.
Comment: Published functional studies demonstrate a damaging effect showing that the variant reduces or eliminates PNKP DNA kinase activity (Reynolds et al., 2012); Frameshift variant in the C-terminus predicted to result in protein truncation, as the last 98 amino acids are lost and replaced with 48 incorrect amino acids (HGMD); This variant is associated with the following publications: (PMID: 23224214, 25558065, 23921166, 22508754, 25728773, 20118933, 29498415, 28333917, 30956058, 29655203, 30267214, 30214071, 31707899, 31436889, 34402213, 31589614, 31110700, 32504494)

Kariminejad - Najmabadi Pathology & Genetics Center
Classification: Pathogenic for Abnormality of the nervous system. Last evaluated: 2021-07-10. Review status: criteria provided, single submitter. Criteria: ACMG Guidelines, 2015. Collection method: clinical testing. Allele origin: germline. Affected: yes.

Victorian Clinical Genetics Services, Murdoch Childrens Research Institute
Classification: Pathogenic for Microcephaly, seizures, and developmental delay. Last evaluated: 2021-05-06. Review status: criteria provided, single submitter. Criteria: ACMG Guidelines, 2015. Collection method: clinical testing. Allele origin: germline. Inheritance: Autosomal recessive inheritance.
Comment: Based on the classification scheme VCGS_Germline_v1.3.3, this variant is classified as Pathogenic. Following criteria are met: 0102 - Loss of function is a known mechanism of disease in this gene and is associated with ataxia-oculomotor apraxia 4 (MIM#616267), and microcephaly, seizures, and developmental delay (MIM#613402). (I) 0106 - This gene is associated with autosomal recessive disease. (I) 0205 - Variant is predicted to result in a truncated protein (premature termination codon is NOT located at least 54 nucleotides upstream of the final exon-exon junction) with less than 1/3 of the protein sequence affected (PMID: 22508754). (SP) 0251 - This variant is heterozygous. (I) 0304 - Variant is present in gnomAD (v2) <0.01 for a recessive condition (38 heterozygotes, 0 homozygotes). (SP) 0600 - Variant results in the loss of part of the annotated AAA domain (PDB). (I) 0801 - This variant has strong previous evidence of pathogenicity in unrelated individuals. The variant has previously been described as pathogenic in multiple homozygous and compound heterozygous patients, with either ataxia-oculomotor apraxia 4 or microcephaly, seizures and developmental delay (ClinVar, PMID: 31436889, PMID: 31707899). (SP) 1102 - Strong phenotype match for this individual. (SP) 1201 - Heterozygous variant detected in trans with a second pathogenic heterozygous variant (p.(Ser430Lysfs*39)) in a recessive disease. (I) Legend: (SP) - Supporting pathogenic, (I) - Information, (SB) - Supporting benign

Diagnostic Laboratory, Strasbourg University Hospital
Classification: Pathogenic for Intellectual disability. Last evaluated: 2020-04-20. Review status: criteria provided, single submitter. Criteria: ACMG Guidelines, 2015. Collection method: clinical testing. Allele origin: maternal. Inheritance: Autosomal recessive inheritance. Affected: yes. Observed: 1 heterozygote.

Institute of Human Genetics Munich, TUM University Hospital
Classification: Pathogenic for Microcephaly, seizures, and developmental delay. Last evaluated: 2020-01-16. Review status: criteria provided, single submitter. Criteria: Classification criteria August 2017. Collection method: clinical testing. Allele origin: inherited. Inheritance: Autosomal recessive inheritance. Affected: yes. Observed: 2 homozygotes.

Child Neurology Department, Hôpital Universitaire de Bruxelles
Classification: Pathogenic for Microcephaly, seizures, and developmental delay. Last evaluated: 2020-01-01. Review status: criteria provided, single submitter. Criteria: ACMG Guidelines, 2015. Collection method: clinical testing. Allele origin: inherited. Affected: yes.

Revvity Omics, Revvity
Classification: Pathogenic. Last evaluated: 2019-12-20. Review status: criteria provided, single submitter. Criteria: ACMG Guidelines, 2015. Collection method: clinical testing. Allele origin: germline.

Eurofins Ntd Llc (ga)
Classification: Pathogenic. Last evaluated: 2016-05-13. Review status: criteria provided, single submitter. Criteria: EGL Classification Definitions. Collection method: clinical testing. Allele origin: germline. Observed: 1 variant allele, 1 heterozygote.

Genetic Services Laboratory, University of Chicago
Classification: Pathogenic for Epileptic encephalopathy, early infantile, 10. Last evaluated: 2014-06-05. Review status: criteria provided, single submitter. Criteria: ACMG Guidelines, 2015. Collection method: clinical testing. Allele origin: germline. Inheritance: Autosomal recessive inheritance. Affected: yes.

OMIM
Classification: Pathogenic for MICROCEPHALY, SEIZURES, AND DEVELOPMENTAL DELAY. Last evaluated: 2015-03-05. Review status: no assertion criteria provided. Collection method: literature only. Allele origin: germline. Not counted in ClinVar's aggregate classification.

OMIM
Classification: Pathogenic for ATAXIA-OCULOMOTOR APRAXIA 4. Last evaluated: 2015-03-05. Review status: no assertion criteria provided. Collection method: literature only. Allele origin: germline. Not counted in ClinVar's aggregate classification.

Clinical Genetics DNA and cytogenetics Diagnostics Lab, Erasmus MC, Erasmus Medical Center
Classification: Pathogenic. Review status: no assertion criteria provided. Collection method: clinical testing. Allele origin: germline. Affected: yes. Study: VKGL Data-share Consensus. Not counted in ClinVar's aggregate classification.

Diagnostic Laboratory, Department of Genetics, University Medical Center Groningen
Classification: Pathogenic. Review status: no assertion criteria provided. Collection method: clinical testing. Allele origin: germline. Affected: yes. Study: VKGL Data-share Consensus. Not counted in ClinVar's aggregate classification.

Joint Genome Diagnostic Labs from Nijmegen and Maastricht, Radboudumc and MUMC+
Classification: Pathogenic. Review status: no assertion criteria provided. Collection method: clinical testing. Allele origin: germline. Affected: yes. Study: VKGL Data-share Consensus. Not counted in ClinVar's aggregate classification.

Service de Génétique Moléculaire, Hôpital Robert Debré
Classification: Pathogenic for Microcephaly, seizures, and developmental delay. Review status: no assertion criteria provided. Collection method: clinical testing. Allele origin: unknown. Affected: yes. Not counted in ClinVar's aggregate classification.

Literature cited by the submitters: PubMed 22508754 (cited by 5 submitters); PubMed 20118933 (cited by 6 submitters); PubMed 23224214 (cited by 5 submitters); PubMed 25728773 (cited by 6 submitters); PubMed 25558065 (cited by Labcorp Genetics (formerly Invitae), Labcorp); PubMed 31436889 (cited by Variantyx, Inc. and Victorian Clinical Genetics Services, Murdoch Childrens Research Institute); PubMed 29498415 (cited by Variantyx, Inc. and Ambry Genetics); PubMed 22055185 (cited by Ambry Genetics); PubMed 31707899 (cited by Victorian Clinical Genetics Services, Murdoch Childrens Research Institute).